The following is an entry in ClinVar:

ClinVar aggregate classification (germline): Uncertain significance (1 of 4 stars; one submission).

Conditions:
Hyperkalemic periodic paralysis. Also called: Familial hyperkalemic periodic paralysis; Gamstorp disease. Identifiers: Orphanet 682, MedGen C0238357, MONDO:0008224, OMIM 170500, HP:0007215.

Allele frequency attached by ClinVar (database versions not stated): ExAC 0.00001; gnomAD exomes 0.00001; TOPMed 0.00001; gnomAD 0.00002.
gnomAD v4.1: 18 of 1,603,850 alleles (0.0011%); highest among the groups gnomAD compares: Non-Finnish European, 0.0015%; no homozygotes.

Submission:

Labcorp Genetics (formerly Invitae), Labcorp
Classification: Uncertain significance for Hyperkalemic periodic paralysis. Last evaluated: 2024-04-05. Review status: criteria provided, single submitter. Criteria: Invitae Variant Classification Sherloc (09022015). Collection method: clinical testing. Allele origin: germline.
Comment: This sequence change replaces glutamic acid, which is acidic and polar, with lysine, which is basic and polar, at codon 866 of the SCN4A protein (p.Glu866Lys). This variant is present in population databases (rs766798755, gnomAD 0.004%). This variant has not been reported in the literature in individuals affected with SCN4A-related conditions. Advanced modeling of protein sequence and biophysical properties (such as structural, functional, and spatial information, amino acid conservation, physicochemical variation, residue mobility, and thermodynamic stability) performed at Invitae indicates that this missense variant is not expected to disrupt SCN4A protein function with a negative predictive value of 95%. In summary, the available evidence is currently insufficient to determine the role of this variant in disease. Therefore, it has been classified as a Variant of Uncertain Significance.

NM_000334.4(SCN4A):c.2596G>A (p.Glu866Lys)

Genes: GH-LCR (growth hormone locus control region; plus strand), SCN4A (sodium voltage-gated channel alpha subunit 4; minus strand). Cytogenetic location: 17q23.3.
Variant type: single nucleotide variant.
Coding change: c.2596G>A on transcript NM_000334.4 (MANE Select); coding-DNA position 2596, G replaced by A.
Protein change: p.Glu866Lys; replaces glutamic acid 866 with lysine.
Molecular consequence: missense variant.
Genome position (GRCh38, 1-based): chr17:63,951,681, C>T on the plus strand (G>A on the coding strand, the complement: SCN4A is on the minus strand). VCF-style: chr17-63951681-C-T. GRCh37 (hg19) VCF-style: chr17-62029041-C-T.
Other names: short protein forms E866K.
Identifiers: ClinVar variation 2730110 (VCV002730110.3), dbSNP rs766798755, ClinGen allele CA8709553.
Genomic context (GRCh38, chr17:63,951,681, plus strand): 5'-CCTCCTCGGGCGGCTCCTTCTTCTCATCCTCGGGGGCAGTCTCCCCCGCCTCTCCAGCCT[C>T]CCCGGCCCCGTCAGCCTCCCCGAGGCTGAGCATGATGTCCTTGGGGCTCAGGATCTTGCC-3'
Protein context (NP_000325.4, residues 856-876): LSLGEADGAG[Glu866Lys]AGEAGETAPE